The following is an entry in ClinVar:

NM_004329.3(BMPR1A):c.1247G>A (p.Ser416Asn)

Gene: BMPR1A (bone morphogenetic protein receptor type 1A; plus strand). Cytogenetic location: 10q23.2.
Variant type: single nucleotide variant.
Coding change: c.1247G>A on transcript NM_004329.3 (MANE Select); coding-DNA position 1247, G replaced by A.
Protein change: p.Ser416Asn; replaces serine 416 with asparagine.
Molecular consequence: missense variant.
Genome position (GRCh38, 1-based): chr10:86,921,600, G>A. VCF-style: chr10-86921600-G-A. GRCh37 (hg19) VCF-style: chr10-88681357-G-A.
Other names: short protein forms S416N.
Identifiers: ClinVar variation 411616 (VCV000411616.50), dbSNP rs1060503395, ClinGen allele CA16612990.
Genomic context (GRCh38, chr10:86,921,600, plus strand): 5'-TGCCCTTGAATACCAGGGTGGGCACCAAACGCTACATGGCTCCCGAAGTGCTGGACGAAA[G>A]CCTGAACAAAAACCACTTCCAGCCCTACATCATGGCTGACATCTACAGCTTCGGCCTAAT-3'
Protein context (NP_004320.2, residues 406-426): RYMAPEVLDE[Ser416Asn]LNKNHFQPYI

ClinVar aggregate classification (germline): Uncertain significance. Review status: criteria provided, multiple submitters, no conflicts (2 of 4 stars). 2 submissions from 2 submitters: Uncertain significance (2). Last evaluated 2022-01-12.

Conditions:
Juvenile polyposis syndrome (JPS). Identifiers: Orphanet 2929, MedGen C0345893, MONDO:0017380, OMIM 174900.
Hereditary cancer-predisposing syndrome. Also called: Hereditary neoplastic syndrome; Neoplastic Syndromes, Hereditary; Tumor predisposition; Hereditary Cancer Syndrome. Identifiers: Orphanet 140162, MedGen C0027672, MeSH D009386, MONDO:0015356.

Submissions (2):

Labcorp Genetics (formerly Invitae), Labcorp
Classification: Uncertain significance for Juvenile polyposis syndrome. Last evaluated: 2022-01-12. Review status: criteria provided, single submitter. Criteria: Invitae Variant Classification Sherloc (09022015). Collection method: clinical testing. Allele origin: germline.
Comment: ClinVar contains an entry for this variant (Variation ID: 411616). Advanced modeling of protein sequence and biophysical properties (such as structural, functional, and spatial information, amino acid conservation, physicochemical variation, residue mobility, and thermodynamic stability) performed at Invitae indicates that this missense variant is not expected to disrupt BMPR1A protein function. In summary, the available evidence is currently insufficient to determine the role of this variant in disease. Therefore, it has been classified as a Variant of Uncertain Significance. This variant has not been reported in the literature in individuals affected with BMPR1A-related conditions. This variant is not present in population databases (gnomAD no frequency). This sequence change replaces serine, which is neutral and polar, with asparagine, which is neutral and polar, at codon 416 of the BMPR1A protein (p.Ser416Asn).

Ambry Genetics
Classification: Uncertain significance for Hereditary cancer-predisposing syndrome. Last evaluated: 2021-03-22. Review status: criteria provided, single submitter. Criteria: Ambry Variant Classification Scheme 2023. Collection method: clinical testing. Allele origin: germline.
Comment: The p.S416N variant (also known as c.1247G>A), located in coding exon 9 of the BMPR1A gene, results from a G to A substitution at nucleotide position 1247. The serine at codon 416 is replaced by asparagine, an amino acid with highly similar properties. This amino acid position is well conserved in available vertebrate species. In addition, the in silico prediction for this alteration is inconclusive. Since supporting evidence is limited at this time, the clinical significance of this alteration remains unclear.